The following is an entry in ClinVar:

ClinVar aggregate classification (germline): Uncertain significance. Review status: criteria provided, multiple submitters, no conflicts (2 of 4 stars). 6 submissions from 6 submitters: Uncertain significance (6). Last evaluated 2025-05-29.

Conditions:
Autosomal recessive limb-girdle muscular dystrophy type R18 (LGMDR18). Also called: MUSCULAR DYSTROPHY, LIMB-GIRDLE, AUTOSOMAL RECESSIVE 18; Autosomal recessive limb-girdle muscular dystrophy type 2S; Limb-girdle muscular dystrophy, type 2S. Identifiers: Orphanet 369840, MedGen C4517996, MONDO:0014144, OMIM 615356.
Inborn genetic diseases. Identifiers: MedGen C0950123, MeSH D030342.

Allele frequency attached by ClinVar (database versions not stated): ExAC 0.00014; gnomAD exomes 0.00016 and 0.00055; TOPMed 0.00023; gnomAD 0.00025 and 0.00026; ESP Exome Variant Server 0.00069.
gnomAD v4.1: 777 of 1,515,180 alleles (0.051%); highest among the groups gnomAD compares: Non-Finnish European, 0.067%; no homozygotes.

Submissions (6):

Athena Diagnostics
Classification: Uncertain significance. Last evaluated: 2025-05-29. Review status: criteria provided, single submitter. Criteria: Athena Diagnostics Criteria. Collection method: clinical testing. Allele origin: unknown.
Comment: Available data are insufficient to determine the clinical significance of the variant at this time. The frequency of this variant in the general population is uninformative in assessment of its pathogenicity. Polyphen and MutationTaster yielded discordant predictions regarding whether this amino acid change is damaging to the protein.

Mayo Clinic Laboratories, Mayo Clinic
Classification: Uncertain significance. Last evaluated: 2024-12-05. Review status: criteria provided, single submitter. Criteria: ACMG Guidelines, 2015. Collection method: clinical testing. Allele origin: germline. Observed: 1 variant allele.

Ambry Genetics
Classification: Uncertain significance for Inborn genetic diseases. Last evaluated: 2024-07-05. Review status: criteria provided, single submitter. Criteria: Ambry Variant Classification Scheme 2023. Collection method: clinical testing. Allele origin: germline.

GeneDx
Classification: Uncertain significance. Last evaluated: 2023-07-11. Review status: criteria provided, single submitter. Criteria: GeneDx Variant Classification Process June 2021. Collection method: clinical testing. Allele origin: germline. Affected: yes.
Comment: In silico analysis supports that this missense variant has a deleterious effect on protein structure/function; Has not been previously published as pathogenic or benign to our knowledge; This variant is associated with the following publications: (PMID: 31597922, 28404951, 27270441)

Revvity Omics, Revvity
Classification: Uncertain significance for Autosomal recessive limb-girdle muscular dystrophy type R18. Last evaluated: 2023-01-05. Review status: criteria provided, single submitter. Criteria: ACMG Guidelines, 2015. Collection method: clinical testing. Allele origin: germline.

Labcorp Genetics (formerly Invitae), Labcorp
Classification: Uncertain significance for Autosomal recessive limb-girdle muscular dystrophy type R18. Last evaluated: 2022-11-01. Review status: criteria provided, single submitter. Criteria: Invitae Variant Classification Sherloc (09022015). Collection method: clinical testing. Allele origin: germline.
Comment: This sequence change replaces asparagine, which is neutral and polar, with serine, which is neutral and polar, at codon 634 of the TRAPPC11 protein (p.Asn634Ser). This variant is present in population databases (rs148567547, gnomAD 0.03%). This variant has not been reported in the literature in individuals affected with TRAPPC11-related conditions. ClinVar contains an entry for this variant (Variation ID: 448694). Advanced modeling of protein sequence and biophysical properties (such as structural, functional, and spatial information, amino acid conservation, physicochemical variation, residue mobility, and thermodynamic stability) performed at Invitae indicates that this missense variant is not expected to disrupt TRAPPC11 protein function. In summary, the available evidence is currently insufficient to determine the role of this variant in disease. Therefore, it has been classified as a Variant of Uncertain Significance.

Literature cited by the submitters: PubMed 29590070 (cited by Athena Diagnostics).

NM_021942.6(TRAPPC11):c.1901A>G (p.Asn634Ser)

Gene: TRAPPC11 (trafficking protein particle complex subunit 11; plus strand). Cytogenetic location: 4q35.1.
Variant type: single nucleotide variant.
Coding change: c.1901A>G on transcript NM_021942.6 (MANE Select); coding-DNA position 1901, A replaced by G.
Protein change: p.Asn634Ser; replaces asparagine 634 with serine.
Molecular consequence: missense variant.
Genome position (GRCh38, 1-based): chr4:183,691,323, A>G. VCF-style: chr4-183691323-A-G. GRCh37 (hg19) VCF-style: chr4-184612476-A-G.
Other names: c.1901A>G, p.Asn634Ser (NM_199053.3); c.1901A>G (NM_021942.4); short protein forms N634S.
Identifiers: ClinVar variation 448694 (VCV000448694.15), dbSNP rs148567547, ClinGen allele CA3152050.